The following is an entry in ClinVar:

ClinVar aggregate classification (germline): Uncertain significance (1 of 4 stars; one submission).

Conditions:
Merosin deficient congenital muscular dystrophy (MDC1A). Also called: Congenital merosin-deficient muscular dystrophy 1A; Congenital Muscular Dystrophy Type 1A (MDC1A). Identifiers: Orphanet 258, MedGen C1263858, MONDO:0011925, OMIM 607855.

gnomAD v4.1: 1 of 1,614,012 alleles (0.000062%); highest among the groups gnomAD compares: Non-Finnish European, 0.000085%; no homozygotes.

Submission:

3billion
Classification: Uncertain significance for Merosin deficient congenital muscular dystrophy. Last evaluated: 2025-07-23. Review status: criteria provided, single submitter. Criteria: ACMG Guidelines, 2015. Collection method: clinical testing. Allele origin: germline. Affected: yes.
Comment: The variant is observed at an extremely low frequency in the gnomAD v4.1.0 dataset (total allele frequency: <0.001%). Predicted Consequence/Location: Synonymous variant In silico tools predict the variant to alter splicing and produce an abnormal transcript [SpliceAI: 0.27 (>=0.2, moderate evidence for spliceogenicity)]. Therefore, this variant is classified as VUS according to the recommendation of ACMG/AMP guideline.

NM_000426.4(LAMA2):c.7968A>G (p.Glu2656=)

Gene: LAMA2 (laminin subunit alpha 2; plus strand). Cytogenetic location: 6q22.33.
Variant type: single nucleotide variant.
Coding change: c.7968A>G on transcript NM_000426.4 (MANE Select); coding-DNA position 7968, A replaced by G.
Protein change: p.Glu2656=; no amino-acid change (glutamic acid 2656 retained).
Molecular consequence: synonymous variant.
Genome position (GRCh38, 1-based): chr6:129,491,970, A>G. VCF-style: chr6-129491970-A-G. GRCh37 (hg19) VCF-style: chr6-129813115-A-G.
Other names: c.7956A>G, p.Glu2652= (NM_001079823.2).
Identifiers: ClinVar variation 4855141 (VCV004855141.1).